The following is an entry in ClinVar:

ClinVar aggregate classification (germline): Pathogenic/Likely pathogenic. Review status: criteria provided, multiple submitters, no conflicts (2 of 4 stars). 2 submissions from 2 submitters: Pathogenic (1); Likely pathogenic (1). Last evaluated 2025-02-11.

Conditions:
Deficiency of cytochrome-b5 reductase. Also called: METHEMOGLOBINEMIA, CONGENITAL, AUTOSOMAL RECESSIVE; NADH-DEPENDENT METHEMOGLOBIN REDUCTASE DEFICIENCY. Identifiers: Orphanet 621, MedGen C0268193, MONDO:0009606, OMIM 250800.

gnomAD v4.1: 5 of 1,614,122 alleles (0.00031%); highest among the groups gnomAD compares: Non-Finnish European, 0.00042%; no homozygotes.

Submissions (2):

Dasa
Classification: Likely pathogenic for methemoglobinemia due to deficiency of methemoglobin reductase. Last evaluated: 2025-02-11. Review status: criteria provided, single submitter. Criteria: DASA Assertion Criteria. Collection method: clinical testing. Allele origin: germline.
Comment: NM_000398.7(CYB5R3):c.403C>T (p.Gln135*) is a nonsense variant in CYB5R3 predicted to introduce a premature termination codon and is predicted to result in an absent or altered protein product. Loss of function is an established disease mechanism for CYB5R3-associated disorders. Also, this variant is rare in population databases. Based on the currently available evidence, this variant is classified as likely pathogenic.

Labcorp Genetics (formerly Invitae), Labcorp
Classification: Pathogenic. Last evaluated: 2024-11-18. Review status: criteria provided, single submitter. Criteria: Invitae Variant Classification Sherloc (09022015). Collection method: clinical testing. Allele origin: germline.
Comment: This sequence change creates a premature translational stop signal (p.Gln135*) in the CYB5R3 gene. It is expected to result in an absent or disrupted protein product. Loss-of-function variants in CYB5R3 are known to be pathogenic (PMID: 18318771). This variant is not present in population databases (gnomAD no frequency). This variant has not been reported in the literature in individuals affected with CYB5R3-related conditions. For these reasons, this variant has been classified as Pathogenic.

Literature cited by the submitters: PubMed 18318771 (cited by Labcorp Genetics (formerly Invitae), Labcorp).

NM_000398.7(CYB5R3):c.403C>T (p.Gln135Ter)

Gene: CYB5R3 (cytochrome b5 reductase 3; minus strand). Cytogenetic location: 22q13.2.
Variant type: single nucleotide variant.
Coding change: c.403C>T on transcript NM_000398.7 (MANE Select); coding-DNA position 403, C replaced by T.
Protein change: p.Gln135Ter; replaces glutamine 135 with a stop codon.
Molecular consequence: nonsense.
Genome position (GRCh38, 1-based): chr22:42,628,212, G>A on the plus strand (C>T on the coding strand, the complement: CYB5R3 is on the minus strand). VCF-style: chr22-42628212-G-A. GRCh37 (hg19) VCF-style: chr22-43024218-G-A.
Other names: c.334C>T, p.Gln112Ter (NM_001129819.2, NM_001171661.1, NM_007326.4); c.502C>T, p.Gln168Ter (NM_001171660.2); short protein forms Q112*, Q135*, Q168*.
Identifiers: ClinVar variation 3624442 (VCV003624442.4).